The following is an entry in ClinVar:

ClinVar aggregate classification (germline): Uncertain significance (1 of 4 stars; one submission).

Allele frequency attached by ClinVar (database versions not stated): gnomAD exomes below 0.00001; ExAC 0.00001; gnomAD 0.00001; TOPMed 0.00001.
gnomAD v4.1: 2 of 1,614,044 alleles (0.00012%); highest among the groups gnomAD compares: Non-Finnish European, 0.00017%; no homozygotes.

Submission:

Labcorp Genetics (formerly Invitae), Labcorp
Classification: Uncertain significance. Last evaluated: 2022-10-05. Review status: criteria provided, single submitter. Criteria: Invitae Variant Classification Sherloc (09022015). Collection method: clinical testing. Allele origin: germline.
Comment: In summary, the available evidence is currently insufficient to determine the role of this variant in disease. Therefore, it has been classified as a Variant of Uncertain Significance. Variants that disrupt the consensus splice site are a relatively common cause of aberrant splicing (PMID: 17576681, 9536098). Experimental studies and prediction algorithms are not available or were not evaluated, and the effect of this variant on mRNA splicing is currently unknown. ClinVar contains an entry for this variant (Variation ID: 1035903). This variant has not been reported in the literature in individuals affected with COL18A1-related conditions. This variant is present in population databases (rs750158035, gnomAD 0.0009%). This sequence change falls in intron 15 of the COL18A1 gene. It does not directly change the encoded amino acid sequence of the COL18A1 protein. It affects a nucleotide within the consensus splice site.

Literature cited by the submitters: PubMed 17576681; PubMed 9536098.

NM_001379500.1(COL18A1):c.1701+4C>T

Gene: COL18A1 (collagen type XVIII alpha 1 chain; plus strand). Cytogenetic location: 21q22.3.
Variant type: single nucleotide variant.
Coding change: c.1701+4C>T on transcript NM_001379500.1 (MANE Select); 4 bases into the intron after coding-DNA position 1701, C replaced by T.
Molecular consequence: intron variant.
Genome position (GRCh38, 1-based): chr21:45,482,825, C>T. VCF-style: chr21-45482825-C-T. GRCh37 (hg19) VCF-style: chr21-46902739-C-T.
Other names: c.2946+4C>T (NM_130444.3); c.2241+4C>T (NM_030582.4).
Identifiers: ClinVar variation 1035903 (VCV001035903.5), dbSNP rs750158035, ClinGen allele CA10066513.